The following is an entry in ClinVar:

NM_001395463.1(PLA2G2A):c.132C>T (p.Tyr44=)

Gene: PLA2G2A (phospholipase A2 group IIA; minus strand). Cytogenetic location: 1p36.13.
Variant type: single nucleotide variant.
Coding change: c.132C>T on transcript NM_001395463.1 (MANE Select); coding-DNA position 132, C replaced by T.
Protein change: p.Tyr44=; no amino-acid change (tyrosine 44 retained).
Molecular consequence: synonymous variant.
Genome position (GRCh38, 1-based): chr1:19,978,433, G>A on the plus strand (C>T on the coding strand, the complement: PLA2G2A is on the minus strand). VCF-style: chr1-19978433-G-A. GRCh37 (hg19) VCF-style: chr1-20304926-G-A.
Other names: c.132C>T, p.Tyr44= (NM_000300.4, NM_001161727.2, NM_001161728.2 and 1 more transcripts).
Identifiers: ClinVar variation 3056896 (VCV003056896.2), dbSNP rs4744, ClinGen allele CA658047.

ClinVar aggregate classification (germline): Benign (0 of 4 stars; one submission).

Conditions:
PLA2G2A-related disorder. Also called: PLA2G2A-related condition.

Allele frequency attached by ClinVar (database versions not stated): 1000 Genomes Project 0.10583; 1000 Genomes Project 30x 0.10728; ESP Exome Variant Server 0.17182; gnomAD 0.17604; ExAC 0.18477; gnomAD exomes 0.20906.
gnomAD v4.1: 330,806 of 1,611,986 alleles (21%); highest among the groups gnomAD compares: Non-Finnish European, 23%; 36,779 homozygotes.

Submission:

PreventionGenetics, part of Exact Sciences
Classification: Benign for PLA2G2A-related condition. Last evaluated: 2019-10-25. Review status: no assertion criteria provided. Collection method: clinical testing. Allele origin: germline.
Comment: This variant is classified as benign based on ACMG/AMP sequence variant interpretation guidelines (Richards et al. 2015 PMID: 25741868, with internal and published modifications).